The following is an entry in ClinVar:

ClinVar aggregate classification (germline): Uncertain significance. Review status: criteria provided, multiple submitters, no conflicts (2 of 4 stars). 2 submissions from 2 submitters: Uncertain significance (2). Last evaluated 2025-04-02.

Conditions:
Multiple endocrine neoplasia type 4. Also called: MULTIPLE ENDOCRINE NEOPLASIA, TYPE IV. Identifiers: Orphanet 276152, MedGen C1970712, MONDO:0012552, OMIM 610755.
Hereditary cancer-predisposing syndrome. Also called: Neoplastic Syndromes, Hereditary; Tumor predisposition; Hereditary Cancer Syndrome; Hereditary neoplastic syndrome. Identifiers: Orphanet 140162, MedGen C0027672, MeSH D009386, MONDO:0015356.

Allele frequency attached by ClinVar (database versions not stated): gnomAD exomes below 0.00001; TOPMed below 0.00001; ExAC 0.00001.
gnomAD v4.1: 3 of 1,614,220 alleles (0.00019%); highest among the groups gnomAD compares: South Asian, 0.0022%; no homozygotes.

Submissions (2):

Ambry Genetics
Classification: Uncertain significance for Hereditary cancer-predisposing syndrome. Last evaluated: 2025-04-02. Review status: criteria provided, single submitter. Criteria: Ambry Variant Classification Scheme 2023. Collection method: clinical testing. Allele origin: germline.
Comment: The p.Y89C variant (also known as c.266A>G), located in coding exon 1 of the CDKN1B gene, results from an A to G substitution at nucleotide position 266. The tyrosine at codon 89 is replaced by cysteine, an amino acid with highly dissimilar properties. This amino acid position is poorly conserved in available vertebrate species. In addition, this alteration is predicted to be tolerated by in silico analysis. Based on the available evidence, the clinical significance of this variant remains unclear.

Labcorp Genetics (formerly Invitae), Labcorp
Classification: Uncertain significance for Multiple endocrine neoplasia type 4. Last evaluated: 2024-04-10. Review status: criteria provided, single submitter. Criteria: Invitae Variant Classification Sherloc (09022015). Collection method: clinical testing. Allele origin: germline.
Comment: This sequence change replaces tyrosine, which is neutral and polar, with cysteine, which is neutral and slightly polar, at codon 89 of the CDKN1B protein (p.Tyr89Cys). This variant is present in population databases (rs780841720, gnomAD 0.003%). This variant has not been reported in the literature in individuals affected with CDKN1B-related conditions. ClinVar contains an entry for this variant (Variation ID: 536841). An algorithm developed to predict the effect of missense changes on protein structure and function (PolyPhen-2) suggests that this variant is likely to be tolerated. In summary, the available evidence is currently insufficient to determine the role of this variant in disease. Therefore, it has been classified as a Variant of Uncertain Significance.

NM_004064.5(CDKN1B):c.266A>G (p.Tyr89Cys)

Gene: CDKN1B (cyclin dependent kinase inhibitor 1B; plus strand). Cytogenetic location: 12p13.1.
Variant type: single nucleotide variant.
Coding change: c.266A>G on transcript NM_004064.5 (MANE Select); coding-DNA position 266, A replaced by G.
Protein change: p.Tyr89Cys; replaces tyrosine 89 with cysteine.
Molecular consequence: missense variant.
Genome position (GRCh38, 1-based): chr12:12,718,105, A>G. VCF-style: chr12-12718105-A-G. GRCh37 (hg19) VCF-style: chr12-12871039-A-G.
Other names: c.266A>G (NM_004064.3); short protein forms Y89C.
Identifiers: ClinVar variation 536841 (VCV000536841.11), dbSNP rs780841720, ClinGen allele CA6457431.